The following is an entry in ClinVar:

ClinVar aggregate classification (germline): Likely benign (1 of 4 stars; one submission).

Allele frequency attached by ClinVar (database versions not stated): gnomAD exomes below 0.00001.
gnomAD v4.1: 3 of 1,612,390 alleles (0.00019%); highest among the groups gnomAD compares: African/African-American, 0.0013%; no homozygotes.

Submission:

CeGaT Center for Human Genetics Tuebingen
Classification: Likely benign. Last evaluated: 2024-06-01. Review status: criteria provided, single submitter. Criteria: CeGaT Center For Human Genetics Tuebingen Variant Classification Criteria Version 2. Collection method: clinical testing. Allele origin: germline. Affected: yes. Observed: 1 variant allele.
Comment: ALDH7A1: PM2:Supporting, BP4, BP7

NM_001182.5(ALDH7A1):c.504C>T (p.Ile168=)

Gene: ALDH7A1 (aldehyde dehydrogenase 7 family member A1; minus strand). Cytogenetic location: 5q23.2.
Variant type: single nucleotide variant.
Coding change: c.504C>T on transcript NM_001182.5 (MANE Select); coding-DNA position 504, C replaced by T.
Protein change: p.Ile168=; no amino-acid change (isoleucine 168 retained).
Molecular consequence: synonymous variant.
Genome position (GRCh38, 1-based): chr5:126,582,864, G>A on the plus strand (C>T on the coding strand, the complement: ALDH7A1 is on the minus strand). VCF-style: chr5-126582864-G-A. GRCh37 (hg19) VCF-style: chr5-125918556-G-A.
Other names: c.420C>T, p.Ile140= (NM_001201377.2); c.504C>T, p.Ile168= (NM_001202404.2).
Identifiers: ClinVar variation 3251119 (VCV003251119.18), dbSNP rs2480337923.